The following is an entry in ClinVar:

NM_019098.5(CNGB3):c.275C>G (p.Ala92Gly)

Gene: CNGB3 (cyclic nucleotide gated channel subunit beta 3; minus strand). Cytogenetic location: 8q21.3.
Variant type: single nucleotide variant.
Coding change: c.275C>G on transcript NM_019098.5 (MANE Select); coding-DNA position 275, C replaced by G.
Protein change: p.Ala92Gly; replaces alanine 92 with glycine.
Molecular consequence: missense variant.
Genome position (GRCh38, 1-based): chr8:86,726,594, G>C on the plus strand (C>G on the coding strand, the complement: CNGB3 is on the minus strand). VCF-style: chr8-86726594-G-C. GRCh37 (hg19) VCF-style: chr8-87738822-G-C.
Other names: c.275C>G (NM_019098.4); short protein forms A92G.
Identifiers: ClinVar variation 1930088 (VCV001930088.3), dbSNP rs1367329586, ClinGen allele CA371455870.

ClinVar aggregate classification (germline): Uncertain significance. Review status: criteria provided, multiple submitters, no conflicts (2 of 4 stars). 2 submissions from 2 submitters: Uncertain significance (2). Last evaluated 2025-10-29.

Conditions:
Inborn genetic diseases. Identifiers: MedGen C0950123, MeSH D030342.

Allele frequency attached by ClinVar (database versions not stated): gnomAD exomes 0.00001.
gnomAD v4.1: 12 of 1,613,806 alleles (0.00074%); highest among the groups gnomAD compares: Non-Finnish European, 0.001%; no homozygotes.

Submissions (2):

Ambry Genetics
Classification: Uncertain significance for Inborn genetic diseases. Last evaluated: 2025-10-29. Review status: criteria provided, single submitter. Criteria: Ambry Variant Classification Scheme 2023. Collection method: clinical testing. Allele origin: germline.

Labcorp Genetics (formerly Invitae), Labcorp
Classification: Uncertain significance. Last evaluated: 2022-04-18. Review status: criteria provided, single submitter. Criteria: Invitae Variant Classification Sherloc (09022015). Collection method: clinical testing. Allele origin: germline.
Comment: This sequence change replaces alanine, which is neutral and non-polar, with glycine, which is neutral and non-polar, at codon 92 of the CNGB3 protein (p.Ala92Gly). This variant is present in population databases (no rsID available, gnomAD 0.0009%). This variant has not been reported in the literature in individuals affected with CNGB3-related conditions. Advanced modeling of protein sequence and biophysical properties (such as structural, functional, and spatial information, amino acid conservation, physicochemical variation, residue mobility, and thermodynamic stability) performed at Invitae indicates that this missense variant is not expected to disrupt CNGB3 protein function. In summary, the available evidence is currently insufficient to determine the role of this variant in disease. Therefore, it has been classified as a Variant of Uncertain Significance.